The following is an entry in ClinVar:

NM_002485.5(NBN):c.2016A>G (p.Pro672=)

Gene: NBN (nibrin; minus strand). Cytogenetic location: 8q21.3.
Variant type: single nucleotide variant.
Coding change: c.2016A>G on transcript NM_002485.5 (MANE Select); coding-DNA position 2016, A replaced by G.
Protein change: p.Pro672=; no amino-acid change (proline 672 retained).
Molecular consequence: synonymous variant.
Genome position (GRCh38, 1-based): chr8:89,946,194, T>C on the plus strand (A>G on the coding strand, the complement: NBN is on the minus strand). VCF-style: chr8-89946194-T-C. GRCh37 (hg19) VCF-style: chr8-90958422-T-C.
Other names: NP_002476.2:p.Pro672=; p.Pro672=; c.1770A>G, p.Pro590= (NM_001024688.3).
Identifiers: ClinVar variation 183696 (VCV000183696.55), dbSNP rs1061302, ClinGen allele CA186154.
Genomic context (GRCh38, chr8:89,946,194, plus strand): 5'-ACCTACCTTTTTGAATTTCTTGAAATTTTTTAGTTGACCATAATCATCATTTATGCCAGA[T>C]GGATTTCTGGAAGTAGAGTTTTTAATCACCAGTGATCTAAATTCAGTCAATAACAGCTTT-3'
Protein context (NP_002476.2, residues 662-682): LVIKNSTSRN[Pro672=]SGINDDYGQL

ClinVar aggregate classification (germline): Benign/Likely benign. Review status: criteria provided, multiple submitters, no conflicts (2 of 4 stars). 20 submissions from 19 submitters: Benign (15); Likely benign (1). 4 of the submissions do not count toward it. Last evaluated 2026-02-04.

Conditions:
Hereditary cancer-predisposing syndrome. Also called: Tumor predisposition; Neoplastic Syndromes, Hereditary; Hereditary neoplastic syndrome; Hereditary Cancer Syndrome. Identifiers: Orphanet 140162, MedGen C0027672, MeSH D009386, MONDO:0015356.
Hereditary breast ovarian cancer syndrome. Also called: Hereditary breast and ovarian cancer syndrome; Hereditary breast and ovarian cancer syndrome (HBOC); Hereditary breast and ovarian cancer; Breast and ovarian cancer; BRCA1- and BRCA2-Associated Hereditary Breast and Ovarian Cancer; Hereditary breast and/or ovarian cancer syndrome. Identifiers: Orphanet 145, MedGen C0677776, MeSH D061325, MONDO:0003582. Disease mechanism: loss of function.
Acute lymphoid leukemia (ALL). Also called: Acute lymphoblastic leukemia; Acute lymphocytic leukemia; Leukemia, acute lymphoblastic, somatic; Lymphoblastic leukemia. Identifiers: Orphanet 513, MedGen C0023449, MONDO:0004967, OMIM 613065, HP:0006721.
Microcephaly, normal intelligence and immunodeficiency (NBS). Also called: SEEMANOVA SYNDROME II; Nijmegen breakage syndrome; Microcephaly with normal intelligence immunodeficiency and lymphoreticular malignancies; Nonsyndromal microcephaly autosomal recessive with normal intelligence; Seemanova syndrome 2; BERLIN BREAKAGE SYNDROME. Identifiers: Orphanet 647, MedGen C0398791, MONDO:0009623, OMIM 251260.

Allele frequency attached by ClinVar (database versions not stated): ESP Exome Variant Server 0.28419; TOPMed 0.30027; gnomAD 0.30090 and 0.30817; 1000 Genomes Project 30x 0.34338; ExAC 0.34505; gnomAD exomes 0.34672; 1000 Genomes Project 0.35284.
gnomAD v4.1: 525,146 of 1,596,714 alleles (33%); highest among the groups gnomAD compares: East Asian, 48%; 88,581 homozygotes.

Submissions (20):

Labcorp Genetics (formerly Invitae), Labcorp
Classification: Benign for Microcephaly, normal intelligence and immunodeficiency. Last evaluated: 2026-02-04. Review status: criteria provided, single submitter. Criteria: Invitae Variant Classification Sherloc (09022015). Collection method: clinical testing. Allele origin: germline.

ARUP Laboratories, Molecular Genetics and Genomics, ARUP Laboratories
Classification: Benign. Last evaluated: 2025-07-30. Review status: criteria provided, single submitter. Criteria: ARUP Molecular Germline Variant Investigation Process 2024. Collection method: clinical testing. Allele origin: germline.

GeneKor MSA
Classification: Benign for Hereditary cancer-predisposing syndrome. Last evaluated: 2025-07-10. Review status: criteria provided, single submitter. Criteria: ACMG Guidelines, 2015. Collection method: clinical testing. Allele origin: germline.

KCCC/NGS Laboratory, Kuwait Cancer Control Center
Classification: Benign for Microcephaly, normal intelligence and immunodeficiency. Last evaluated: 2025-02-01. Review status: criteria provided, single submitter. Criteria: ACMG Guidelines, 2015. Collection method: clinical testing. Allele origin: germline. Affected: no.

Blueprint Genetics
Classification: Likely benign. Last evaluated: 2024-11-27. Review status: criteria provided, single submitter. Criteria: ACMG Guidelines, 2015. Collection method: clinical testing. Allele origin: germline.

Unidad de Genómica Garrahan, Hospital de Pediatría Garrahan
Classification: Benign. Last evaluated: 2024-01-24. Review status: criteria provided, single submitter. Criteria: ACMG Guidelines, 2015. Collection method: clinical testing. Allele origin: germline. Affected: no. Observed: 58 variant alleles.
Comment: This variant is classified as Benign based on local population frequency. This variant was detected in 61% of patients studied by a panel of primary immunodeficiencies. Number of patients: 58. Only high quality variants are reported.

KCCC/NGS Laboratory, Kuwait Cancer Control Center
Classification: Benign for Acute lymphoid leukemia. Last evaluated: 2023-07-07. Review status: criteria provided, single submitter. Criteria: ACMG Guidelines, 2015. Collection method: clinical testing. Allele origin: germline. Affected: yes.

Mayo Clinic Laboratories, Mayo Clinic
Classification: Benign. Last evaluated: 2022-09-06. Review status: criteria provided, single submitter. Criteria: ACMG Guidelines, 2015. Collection method: clinical testing. Allele origin: germline. Observed: 604 variant alleles.

National Health Laboratory Service, Universitas Academic Hospital and University of the Free State
Classification: Benign for Hereditary breast ovarian cancer syndrome. Last evaluated: 2022-04-19. Review status: criteria provided, single submitter. Criteria: ACMG Guidelines, 2015. Collection method: clinical testing. Allele origin: germline. Affected: yes. Observed: 134 variant alleles.

Genome-Nilou Lab
Classification: Benign for Microcephaly, normal intelligence and immunodeficiency. Last evaluated: 2021-07-01. Review status: criteria provided, single submitter. Criteria: ACMG Guidelines, 2015. Collection method: clinical testing. Allele origin: germline. Affected: no.

Illumina Laboratory Services, Illumina
Classification: Benign for Microcephaly, normal intelligence and immunodeficiency. Last evaluated: 2018-01-12. Review status: criteria provided, single submitter. Criteria: ICSL Variant Classification Criteria 13 December 2019. Collection method: clinical testing. Allele origin: germline.
Comment: This variant was observed in the ICSL laboratory as part of a predisposition screen in an ostensibly healthy population. It had not been previously curated by ICSL or reported in the Human Gene Mutation Database (HGMD: prior to June 1st, 2018), and was therefore a candidate for classification through an automated scoring system. Utilizing variant allele frequency, disease prevalence and penetrance estimates, and inheritance mode, an automated score was calculated to assess if this variant is too frequent to cause the disease. Based on the score and internal cut-off values, a variant classified as benign is not then subjected to further curation. The score for this variant resulted in a classification of benign for this disease.

Laboratory for Molecular Medicine, Mass General Brigham Personalized Medicine
Classification: Benign. Last evaluated: 2016-03-28. Review status: criteria provided, single submitter. Criteria: LMM Criteria. Collection method: clinical testing. Allele origin: germline.
Comment: Variant identified in a genome or exome case(s) and assessed due to predicted null impact of the variant or pathogenic assertions in the literature or databases. Disclaimer: This variant has not undergone full assessment. The following are preliminary notes: Frequency

GeneDx
Classification: Benign. Last evaluated: 2015-03-03. Review status: criteria provided, single submitter. Criteria: GeneDx Variant Classification Process June 2021. Collection method: clinical testing. Allele origin: germline. Affected: yes.

Ambry Genetics
Classification: Benign for Hereditary cancer-predisposing syndrome. Last evaluated: 2014-11-07. Review status: criteria provided, single submitter. Criteria: Ambry Variant Classification Scheme 2023. Collection method: clinical testing. Allele origin: germline.

Breakthrough Genomics
Classification: Benign. Review status: criteria provided, single submitter. Criteria: ACMG Guidelines, 2015. Collection method: not provided. Allele origin: germline. Inheritance: Autosomal recessive inheritance. Affected: yes.

PreventionGenetics, part of Exact Sciences
Classification: Benign. Review status: criteria provided, single submitter. Criteria: ACMG Guidelines, 2015. Collection method: clinical testing. Allele origin: germline.

Natera, Inc.
Classification: Benign for Nijmegen breakage syndrome. Last evaluated: 2020-09-16. Review status: no assertion criteria provided. Collection method: clinical testing. Allele origin: germline. Not counted in ClinVar's aggregate classification.

Clinical Genetics DNA and cytogenetics Diagnostics Lab, Erasmus MC, Erasmus Medical Center
Classification: Benign. Review status: no assertion criteria provided. Collection method: clinical testing. Allele origin: germline. Affected: yes. Study: VKGL Data-share Consensus. Not counted in ClinVar's aggregate classification.

Diagnostic Laboratory, Department of Genetics, University Medical Center Groningen
Classification: Benign. Review status: no assertion criteria provided. Collection method: clinical testing. Allele origin: germline. Affected: yes. Study: VKGL Data-share Consensus. Not counted in ClinVar's aggregate classification.

Joint Genome Diagnostic Labs from Nijmegen and Maastricht, Radboudumc and MUMC+
Classification: Benign. Review status: no assertion criteria provided. Collection method: clinical testing. Allele origin: germline. Affected: yes. Study: VKGL Data-share Consensus. Not counted in ClinVar's aggregate classification.